The following is an entry in ClinVar:

NM_198569.3(ADGRG6):c.738dup (p.Ala247fs)

Gene: ADGRG6 (adhesion G protein-coupled receptor G6; plus strand). Cytogenetic location: 6q24.2.
Variant type: Duplication.
Coding change: c.738dup on transcript NM_198569.3 (MANE Select); coding-DNA position 738, one base duplicated (T; older notation c.738dupT).
Protein change: p.Ala247fs; shifts the reading frame from alanine 247.
Molecular consequence: frameshift variant.
Genome position (GRCh38, 1-based): chr6:142,370,462, T duplicated; the last of 5 consecutive T bases (chr6:142,370,458-142,370,462); duplicating any one gives the same sequence. VCF-style (leftmost placement, unchanged base first): chr6-142370457-A-AT. GRCh37 (hg19) VCF-style: chr6-142691594-A-AT.
Other names: c.738dupT (NM_020455.5, NM_198569.2); c.738dup, p.Ala247fs (NM_001032394.3, NM_001032395.3, NM_020455.6); short protein forms A247fs.
Identifiers: ClinVar variation 504275 (VCV000504275.5), dbSNP rs1349317802, ClinGen allele CA570977724.

ClinVar aggregate classification (germline): Pathogenic (1 of 4 stars; one submission).

Submission:

GeneDx
Classification: Pathogenic. Last evaluated: 2021-04-20. Review status: criteria provided, single submitter. Criteria: GeneDx Variant Classification Process June 2021. Collection method: clinical testing. Allele origin: germline. Affected: yes.
Comment: Frameshift variant predicted to result in protein truncation or nonsense mediated decay in a gene for which loss-of-function is a known mechanism of disease; Not observed at a significant frequency in large population cohorts (Lek et al., 2016); Has not been previously published as pathogenic or benign to our knowledge